The following is an entry in ClinVar:

NM_001876.4(CPT1A):c.1793G>A (p.Arg598Gln)

Gene: CPT1A (carnitine palmitoyltransferase 1A; minus strand). Cytogenetic location: 11q13.3.
Variant type: single nucleotide variant.
Coding change: c.1793G>A on transcript NM_001876.4 (MANE Select); coding-DNA position 1793, G replaced by A.
Protein change: p.Arg598Gln; replaces arginine 598 with glutamine.
Molecular consequence: missense variant.
Genome position (GRCh38, 1-based): chr11:68,762,709, C>T on the plus strand (G>A on the coding strand, the complement: CPT1A is on the minus strand). VCF-style: chr11-68762709-C-T. GRCh37 (hg19) VCF-style: chr11-68530177-C-T.
Other names: c.1793G>A, p.Arg598Gln (NM_001031847.3); short protein forms R598Q.
Identifiers: ClinVar variation 971366 (VCV000971366.11), dbSNP rs878856345, ClinGen allele CA381627664.

ClinVar aggregate classification (germline): Uncertain significance. Review status: criteria provided, multiple submitters, no conflicts (2 of 4 stars). 3 submissions from 3 submitters: Uncertain significance (2). 1 of the submissions does not count toward it. Last evaluated 2022-06-07.

Conditions:
Carnitine palmitoyl transferase 1A deficiency. Also called: Carnitine palmitoyltransferase 1A deficiency; CPT deficiency, hepatic, type IA; CPT I DEFICIENCY; CPT DEFICIENCY, HEPATIC, TYPE I; Carnitine palmitoyltransferase type I deficiency. Identifiers: Orphanet 156, MedGen C1829703, MONDO:0009705, OMIM 255120.

Allele frequency attached by ClinVar (database versions not stated): TOPMed below 0.00001; gnomAD exomes 0.00001.
gnomAD v4.1: 10 of 1,614,032 alleles (0.00062%); highest among the groups gnomAD compares: Middle Eastern, 0.016%; no homozygotes.

Submissions (3):

Labcorp Genetics (formerly Invitae), Labcorp
Classification: Uncertain significance for Carnitine palmitoyl transferase 1A deficiency. Last evaluated: 2022-06-07. Review status: criteria provided, single submitter. Criteria: Invitae Variant Classification Sherloc (09022015). Collection method: clinical testing. Allele origin: germline.
Comment: This sequence change replaces arginine, which is basic and polar, with glutamine, which is neutral and polar, at codon 598 of the CPT1A protein (p.Arg598Gln). This variant is not present in population databases (gnomAD no frequency). This variant has not been reported in the literature in individuals affected with CPT1A-related conditions. ClinVar contains an entry for this variant (Variation ID: 971366). Algorithms developed to predict the effect of missense changes on protein structure and function (SIFT, PolyPhen-2, Align-GVGD) all suggest that this variant is likely to be tolerated. In summary, the available evidence is currently insufficient to determine the role of this variant in disease. Therefore, it has been classified as a Variant of Uncertain Significance.

Fulgent Genetics
Classification: Uncertain significance for Carnitine palmitoyl transferase 1A deficiency. Last evaluated: 2021-10-07. Review status: criteria provided, single submitter. Criteria: ACMG Guidelines, 2015. Collection method: clinical testing. Allele origin: unknown.

Natera, Inc.
Classification: Uncertain significance for Carnitine palmitoyltransferase type I deficiency. Last evaluated: 2020-10-29. Review status: no assertion criteria provided. Collection method: clinical testing. Allele origin: germline. Not counted in ClinVar's aggregate classification.